The following is an entry in ClinVar:

ClinVar aggregate classification (germline): Uncertain significance (1 of 4 stars; one submission).

Conditions:
ALG9 congenital disorder of glycosylation (CDG1L). Also called: CONGENITAL DISORDER OF GLYCOSYLATION, TYPE Il; CDG Il; ALG9-CDG. Identifiers: Orphanet 79328, MedGen C2931006, MONDO:0012117, OMIM 608776.

gnomAD v4.1: 9 of 1,614,214 alleles (0.00056%); highest among the groups gnomAD compares: South Asian, 0.0011%; no homozygotes.

Submission:

Labcorp Genetics (formerly Invitae), Labcorp
Classification: Uncertain significance for ALG9 congenital disorder of glycosylation. Last evaluated: 2023-06-22. Review status: criteria provided, single submitter. Criteria: Invitae Variant Classification Sherloc (09022015). Collection method: clinical testing. Allele origin: germline.
Comment: This sequence change replaces arginine, which is basic and polar, with histidine, which is basic and polar, at codon 298 of the ATP6V0A2 protein (p.Arg298His). This variant is present in population databases (rs754674753, gnomAD 0.003%). This variant has not been reported in the literature in individuals affected with ATP6V0A2-related conditions. Advanced modeling of protein sequence and biophysical properties (such as structural, functional, and spatial information, amino acid conservation, physicochemical variation, residue mobility, and thermodynamic stability) performed at Invitae indicates that this missense variant is not expected to disrupt ATP6V0A2 protein function. In summary, the available evidence is currently insufficient to determine the role of this variant in disease. Therefore, it has been classified as a Variant of Uncertain Significance.

NM_012463.4(ATP6V0A2):c.893G>A (p.Arg298His)

Gene: ATP6V0A2 (ATPase H+ transporting V0 subunit a2; plus strand). Cytogenetic location: 12q24.31.
Variant type: single nucleotide variant.
Coding change: c.893G>A on transcript NM_012463.4 (MANE Select); coding-DNA position 893, G replaced by A.
Protein change: p.Arg298His; replaces arginine 298 with histidine.
Molecular consequence: missense variant.
Genome position (GRCh38, 1-based): chr12:123,737,126, G>A. VCF-style: chr12-123737126-G-A. GRCh37 (hg19) VCF-style: chr12-124221673-G-A.
Other names: short protein forms R298H.
Identifiers: ClinVar variation 2707653 (VCV002707653.3), dbSNP rs754674753, ClinGen allele CA6861771.
Genomic context (GRCh38, chr12:123,737,126, plus strand): 5'-ACAAAACCGAGGACTATTTGAGGCAAGTGCTATGTAAAGCCGCCGAGTCTGTCTACAGCC[G>A]TGTGATCCAGGTGAAGAAAATGAAGGCCATCTATCACATGCTGAACATGTGCAGCTTTGA-3'
Protein context (NP_036595.2, residues 288-308): LCKAAESVYS[Arg298His]VIQVKKMKAI